The following is an entry in ClinVar:

ClinVar aggregate classification (germline): Conflicting classifications of pathogenicity; risk factor. Review status: criteria provided, conflicting classifications (1 of 4 stars). 6 submissions from 6 submitters: Likely risk allele (1); Uncertain significance (1); Benign (3). Last evaluated 2024-05-07.

Conditions:
Hepatic steatosis. Also called: Fatty liver disease. Identifiers: MedGen C2711227, MONDO:0004790, HP:0001397.
NAFLD1 (FLD1). Also called: FATTY LIVER DISEASE, SUSCEPTIBILITY TO, 1; Fatty liver disease, nonalcoholic 1. Identifiers: MedGen C2750440, MONDO:0021105, OMIM 613282.

Allele frequency attached by ClinVar (database versions not stated): ESP Exome Variant Server 0.19529; gnomAD 0.21657; TOPMed 0.24481; 1000 Genomes Project 0.26218; ExAC 0.26324; 1000 Genomes Project 30x 0.26437; gnomAD exomes 0.27784.

Submissions (6):

Clinical Genomics Laboratory, Washington University in St. Louis
Classification: Likely risk allele for Hepatic steatosis. Last evaluated: 2024-05-07. Review status: criteria provided, single submitter. Criteria: Schmidt et al. (Genet Med. 2024). Collection method: clinical testing. Allele origin: germline.
Comment: The PNPLA3 c.444C>G (p.Ile148Met) variant, has been reported to be a risk allele for nonalcoholic fatty liver disease in adults and youth with an odds ratio of 2.8; 95% CI 1.5-5.2 (Romeo S et al., PMID: 18820647; Santoro N et al., 20803499; Sookoian S et al., PMID: 19738004). The highest population minor allele frequency in the population database genome aggregation database (v2.1.1) is 54.9% in the American population. This variant may increase risk for hepatic steatosis along with other genetic and environmental factors and based on available information and the ClinGen Low Penetrance/Risk Allele Working Group recommendations (Schmidt RJ et al., PMID: 38054408) this variant is classified as a likely risk allele.

CeGaT Center for Human Genetics Tuebingen
Classification: Uncertain significance. Last evaluated: 2024-04-01. Review status: criteria provided, single submitter. Criteria: CeGaT Center For Human Genetics Tuebingen Variant Classification Criteria Version 2. Collection method: clinical testing. Allele origin: germline. Affected: yes. Observed: 12 variant alleles.
Comment: PNPLA3: PM1, PP4

Laboratory for Molecular Medicine, Mass General Brigham Personalized Medicine
Classification: risk factor for NAFLD1. Last evaluated: 2021-03-12. Review status: criteria provided, single submitter. Criteria: LMM Criteria. Collection method: clinical testing. Allele origin: germline. Observed: 13 variant alleles.
Comment: proposed classification - variant undergoing re-assessment, contact laboratory

GeneDx
Classification: Benign. Last evaluated: 2020-09-03. Review status: criteria provided, single submitter. Criteria: GeneDx Variant Classification Process June 2021. Collection method: clinical testing. Allele origin: germline. Affected: yes.
Comment: This variant is associated with the following publications: (PMID: 24417250, 26264356, 25273282, 22001757, 25646328, 25290313, 23808989, 25543233, 24828988, 24074360, 24269995, 24102786, 25232397, 30649436, 30802989, 25378656, 30161167, 24009255, 30308089, 29632382, 29083408, 28073161, 28902428, 28950858, 18820647, 22258181, 23042597, 22719190, 24155878, 22100032, 20373368, 22898488, 19946271, 26690388, 21254164, 25678388, 21423719, 20648472, 19738004, 25146957, 20803499, 20546964, 19844213, 22978414, 22878467, 24670599, 24369119, 24972532, 22338072, 22724004, 26200108, 22087248, 25763607, 23023705, 23176674, 23510779, 21168459, 22792295, 24531328, 26439088, 19224197, 19542081, 19729411, 19651814, 21878620, 20034933, 23069476, 22140488, 24081230, 23505555, 26148245, 27346686, 25171251, 25581573, 27346685, 26482880, 28008009)

Illumina Laboratory Services, Illumina
Classification: Benign for NAFLD1. Last evaluated: 2018-01-12. Review status: criteria provided, single submitter. Criteria: ICSL Variant Classification Criteria 13 December 2019. Collection method: clinical testing. Allele origin: germline.
Comment: This variant was observed in the ICSL laboratory as part of a predisposition screen in an ostensibly healthy population. It had not been previously curated by ICSL or reported in the Human Gene Mutation Database (HGMD: prior to June 1st, 2018), and was therefore a candidate for classification through an automated scoring system. Utilizing variant allele frequency, disease prevalence and penetrance estimates, and inheritance mode, an automated score was calculated to assess if this variant is too frequent to cause the disease. Based on the score and internal cut-off values, a variant classified as benign is not then subjected to further curation. The score for this variant resulted in a classification of benign for this disease.

Breakthrough Genomics
Classification: Benign. Review status: criteria provided, single submitter. Criteria: ACMG Guidelines, 2015. Collection method: not provided. Allele origin: germline. Inheritance: Unknown mechanism. Affected: yes.

Literature cited by the submitters: PubMed 26200108 (cited by Laboratory for Molecular Medicine, Mass General Brigham Personalized Medicine); PubMed 24917523 (cited by Laboratory for Molecular Medicine, Mass General Brigham Personalized Medicine); PubMed 29158695 (cited by Laboratory for Molecular Medicine, Mass General Brigham Personalized Medicine); PubMed 21381068 (cited by Laboratory for Molecular Medicine, Mass General Brigham Personalized Medicine); PubMed 28073161 (cited by Laboratory for Molecular Medicine, Mass General Brigham Personalized Medicine).

NM_025225.3(PNPLA3):c.444C>G (p.Ile148Met)

Gene: PNPLA3 (patatin like domain 3, 1-acylglycerol-3-phosphate O-acyltransferase; plus strand). Cytogenetic location: 22q13.31.
Variant type: single nucleotide variant.
Coding change: c.444C>G on transcript NM_025225.3 (MANE Select); coding-DNA position 444, C replaced by G.
Protein change: p.Ile148Met; replaces isoleucine 148 with methionine.
Molecular consequence: missense variant.
Genome position (GRCh38, 1-based): chr22:43,928,847, C>G. VCF-style: chr22-43928847-C-G. GRCh37 (hg19) VCF-style: chr22-44324727-C-G.
Other names: short protein forms I148M.
Identifiers: ClinVar variation 341932 (VCV000341932.99), dbSNP rs738409, ClinGen allele CA10277926.